The following is an entry in ClinVar:

NM_015046.7(SETX):c.6108A>G (p.Gly2036=)

Gene: SETX (senataxin; minus strand). Cytogenetic location: 9q34.13.
Variant type: single nucleotide variant.
Coding change: c.6108A>G on transcript NM_015046.7 (MANE Select); coding-DNA position 6108, A replaced by G.
Protein change: p.Gly2036=; no amino-acid change (glycine 2036 retained).
Molecular consequence: synonymous variant.
Genome position (GRCh38, 1-based): chr9:132,288,650, T>C on the plus strand (A>G on the coding strand, the complement: SETX is on the minus strand). VCF-style: chr9-132288650-T-C. GRCh37 (hg19) VCF-style: chr9-135164037-T-C.
Other names: p.Gly2036=; c.6108A>G, p.Gly2036= (NM_001351527.2, NM_001351528.2).
Identifiers: ClinVar variation 536402 (VCV000536402.23), dbSNP rs35815657, ClinGen allele CA5296826.

ClinVar aggregate classification (germline): Benign/Likely benign. Review status: criteria provided, multiple submitters, no conflicts (2 of 4 stars). 12 submissions from 11 submitters: Benign (6); Likely benign (2). 4 of the submissions do not count toward it. Last evaluated 2026-01-03.

Conditions:
SETX-related disorder. Also called: SETX-related condition; SETX-related disorders. Identifiers: MedGen CN239403.
Amyotrophic lateral sclerosis type 4 (ALS4). Also called: AMYOTROPHIC LATERAL SCLEROSIS 4, JUVENILE; NEURONOPATHY, DISTAL HEREDITARY MOTOR, WITH PYRAMIDAL FEATURES. Identifiers: Orphanet 357043, MedGen C1865409, MONDO:0011223, OMIM 602433.
Spinocerebellar ataxia, autosomal recessive, with axonal neuropathy 2 (SCAN2). Also called: ATAXIA-OCULOMOTOR APRAXIA 2; Ataxia with Oculomotor Apraxia; Ataxia with Oculomotor Apraxia Type 2; Ataxia-ocular apraxia-2. Identifiers: Orphanet 64753, MedGen C1853761, MONDO:0018996, OMIM 606002.

Allele frequency attached by ClinVar (database versions not stated): gnomAD exomes 0.00029 and 0.00072; ExAC 0.00095; 1000 Genomes Project 30x 0.00234; 1000 Genomes Project 0.00280; ESP Exome Variant Server 0.00300; gnomAD 0.00327 and 0.00358; TOPMed 0.00336.
gnomAD v4.1: 928 of 1,602,914 alleles (0.058%); highest among the groups gnomAD compares: African/African-American, 1.1%; 4 homozygotes.

Submissions (12):

Labcorp Genetics (formerly Invitae), Labcorp
Classification: Benign for Amyotrophic lateral sclerosis type 4; Spinocerebellar ataxia, autosomal recessive, with axonal neuropathy 2. Last evaluated: 2026-01-03. Review status: criteria provided, single submitter. Criteria: Invitae Variant Classification Sherloc (09022015). Collection method: clinical testing. Allele origin: germline.

Mayo Clinic Laboratories, Mayo Clinic
Classification: Likely benign. Last evaluated: 2025-06-04. Review status: criteria provided, single submitter. Criteria: ACMG Guidelines, 2015. Collection method: clinical testing. Allele origin: germline. Observed: 1 variant allele.
Comment: BS1, BP4, BP7

Blueprint Genetics
Classification: Likely benign. Last evaluated: 2024-07-01. Review status: criteria provided, single submitter. Criteria: ACMG Guidelines, 2015. Collection method: clinical testing. Allele origin: germline.

ARUP Laboratories, Molecular Genetics and Genomics, ARUP Laboratories
Classification: Benign. Last evaluated: 2023-12-20. Review status: criteria provided, single submitter. Criteria: ARUP Molecular Germline Variant Investigation Process 2024. Collection method: clinical testing. Allele origin: germline.

Genome-Nilou Lab
Classification: Benign for Spinocerebellar ataxia, autosomal recessive, with axonal neuropathy 2. Last evaluated: 2023-02-08. Review status: criteria provided, single submitter. Criteria: ACMG Guidelines, 2015. Collection method: clinical testing. Allele origin: germline.

Genome-Nilou Lab
Classification: Benign for Amyotrophic lateral sclerosis type 4. Last evaluated: 2023-02-08. Review status: criteria provided, single submitter. Criteria: ACMG Guidelines, 2015. Collection method: clinical testing. Allele origin: germline.

Athena Diagnostics
Classification: Benign. Last evaluated: 2018-07-30. Review status: criteria provided, single submitter. Criteria: Athena Diagnostics Criteria. Collection method: clinical testing. Allele origin: germline.

Breakthrough Genomics
Classification: Benign. Review status: criteria provided, single submitter. Criteria: ACMG Guidelines, 2015. Collection method: not provided. Allele origin: germline. Inheritance: Autosomal recessive inheritance. Affected: yes.

PreventionGenetics, part of Exact Sciences
Classification: Benign for SETX-related condition. Last evaluated: 2019-05-30. Review status: no assertion criteria provided. Collection method: clinical testing. Allele origin: germline. Not counted in ClinVar's aggregate classification.
Comment: This variant is classified as benign based on ACMG/AMP sequence variant interpretation guidelines (Richards et al. 2015 PMID: 25741868, with internal and published modifications).

Clinical Genetics DNA and cytogenetics Diagnostics Lab, Erasmus MC, Erasmus Medical Center
Classification: Likely benign. Review status: no assertion criteria provided. Collection method: clinical testing. Allele origin: germline. Affected: yes. Study: VKGL Data-share Consensus. Not counted in ClinVar's aggregate classification.

Diagnostic Laboratory, Department of Genetics, University Medical Center Groningen
Classification: Likely benign. Review status: no assertion criteria provided. Collection method: clinical testing. Allele origin: germline. Affected: yes. Study: VKGL Data-share Consensus. Not counted in ClinVar's aggregate classification.

Genome Diagnostics Laboratory, Amsterdam University Medical Center
Classification: Likely benign. Review status: no assertion criteria provided. Collection method: clinical testing. Allele origin: germline. Affected: yes. Study: VKGL Data-share Consensus. Not counted in ClinVar's aggregate classification.